The following is an entry in ClinVar:

ClinVar aggregate classification (germline): Uncertain significance (1 of 4 stars; one submission).

Conditions:
X-linked agammaglobulinemia with growth hormone deficiency (IGHD3). Also called: AGAMMAGLOBULINEMIA AND ISOLATED GROWTH HORMONE DEFICIENCY, X-LINKED; ISOLATED GROWTH HORMONE DEFICIENCY, TYPE III, WITH AGAMMAGLOBULINEMIA; Isolated growth hormone deficiency type 3; Growth hormone deficiency with hypogammaglobulinemia; FLEISHER SYNDROME; HYPOGAMMAGLOBULINEMIA AND ISOLATED GROWTH HORMONE DEFICIENCY, X-LINKED. Identifiers: Orphanet 231692, Orphanet 631, MedGen C0472813, MONDO:0010615, OMIM 307200.

Submission:

Labcorp Genetics (formerly Invitae), Labcorp
Classification: Uncertain significance for X-linked agammaglobulinemia with growth hormone deficiency. Last evaluated: 2022-11-03. Review status: criteria provided, single submitter. Criteria: Invitae Variant Classification Sherloc (09022015). Collection method: clinical testing. Allele origin: germline.
Comment: This sequence change replaces valine, which is neutral and non-polar, with lysine, which is basic and polar, at codon 427 of the BTK protein (p.Val427Lys). Information on the frequency of this variant in the gnomAD database is not available, as this variant may be reported differently in the database. This variant has not been reported in the literature in individuals affected with BTK-related conditions. Algorithms developed to predict the effect of missense changes on protein structure and function are either unavailable or do not agree on the potential impact of this missense change (SIFT: "Not Available"; PolyPhen-2: "Probably Damaging"; Align-GVGD: "Not Available"). In summary, the available evidence is currently insufficient to determine the role of this variant in disease. Therefore, it has been classified as a Variant of Uncertain Significance.

NM_000061.3(BTK):c.1279_1280delinsAA (p.Val427Lys)

Gene: BTK (Bruton tyrosine kinase; minus strand). Cytogenetic location: Xq22.1.
Variant type: Indel.
Coding change: c.1279_1280delinsAA on transcript NM_000061.3 (MANE Select); coding-DNA positions 1279 to 1280, GT replaced by AA.
Protein change: p.Val427Lys; replaces valine 427 with lysine.
Molecular consequence: missense variant. On other transcripts: intron variant (1).
Genome position (GRCh38, 1-based): chrX:101,356,853-101,356,854, AC replaced by TT on the plus strand (GT replaced by AA on the coding strand, the reverse complement: BTK is on the minus strand). VCF-style: chrX-101356853-AC-TT. GRCh37 (hg19) VCF-style: chrX-100611841-AC-TT.
Other names: c.1381_1382delinsAA, p.Val461Lys (NM_001287344.2); c.1038+1520_1038+1521delinsAA (NM_001287345.2); short protein forms V427K, V461K.
Identifiers: ClinVar variation 2807106 (VCV002807106.3), dbSNP rs2520558709, ClinGen allele CA2739273640.